The following is an entry in ClinVar:

ClinVar aggregate classification (germline): Uncertain significance. Review status: criteria provided, multiple submitters, no conflicts (2 of 4 stars). 2 submissions from 2 submitters: Uncertain significance (2). Last evaluated 2026-03-30.

Conditions:
Developmental and epileptic encephalopathy, 54. Also called: Epileptic encephalopathy, early infantile, 54; HNRNPU-Related Neurodevelopmental Disorder. Identifiers: MedGen C4479319, MONDO:0033363, OMIM 617391.
HNRNPU-related disorder. Also called: HNRNPU-related condition.

Submissions (2):

PreventionGenetics, part of Exact Sciences
Classification: Uncertain significance for HNRNPU-related condition. Last evaluated: 2026-03-30. Review status: criteria provided, single submitter. Criteria: ACMG Guidelines, 2015. Collection method: clinical testing. Allele origin: germline.
Comment: The HNRNPU c.679G>T variant is predicted to result in the amino acid substitution p.Ala227Ser. To our knowledge, this variant has not been reported in the literature or in a large population database (gnomAD), indicating this variant is rare. At this time, the clinical significance of this variant is uncertain due to the absence of conclusive functional and genetic evidence.

Labcorp Genetics (formerly Invitae), Labcorp
Classification: Uncertain significance for Developmental and epileptic encephalopathy, 54. Last evaluated: 2022-08-23. Review status: criteria provided, single submitter. Criteria: Invitae Variant Classification Sherloc (09022015). Collection method: clinical testing. Allele origin: germline.
Comment: This sequence change replaces alanine, which is neutral and non-polar, with serine, which is neutral and polar, at codon 227 of the HNRNPU protein (p.Ala227Ser). This variant is not present in population databases (gnomAD no frequency). This variant has not been reported in the literature in individuals affected with HNRNPU-related conditions. ClinVar contains an entry for this variant (Variation ID: 1357955). Algorithms developed to predict the effect of missense changes on protein structure and function (SIFT, PolyPhen-2, Align-GVGD) all suggest that this variant is likely to be tolerated. In summary, the available evidence is currently insufficient to determine the role of this variant in disease. Therefore, it has been classified as a Variant of Uncertain Significance.

NM_031844.3(HNRNPU):c.679G>T (p.Ala227Ser)

Gene: HNRNPU (heterogeneous nuclear ribonucleoprotein U; minus strand). Cytogenetic location: 1q44.
Variant type: single nucleotide variant.
Coding change: c.679G>T on transcript NM_031844.3 (MANE Select); coding-DNA position 679, G replaced by T.
Protein change: p.Ala227Ser; replaces alanine 227 with serine.
Molecular consequence: missense variant. On other transcripts: intron variant (1).
Genome position (GRCh38, 1-based): chr1:244,863,629, C>A on the plus strand (G>T on the coding strand, the complement: HNRNPU is on the minus strand). VCF-style: chr1-244863629-C-A. GRCh37 (hg19) VCF-style: chr1-245026931-C-A.
Other names: c.634+45G>T (NM_004501.3); c.679G>T (NM_031844.2); short protein forms A227S.
Identifiers: ClinVar variation 1357955 (VCV001357955.9), dbSNP rs1680916587, ClinGen allele CA345496000.